The following is an entry in ClinVar:

NM_001994.3(F13B):c.372C>A (p.Thr124=)

Gene: F13B (coagulation factor XIII B chain; minus strand). Cytogenetic location: 1q31.3.
Variant type: single nucleotide variant.
Coding change: c.372C>A on transcript NM_001994.3 (MANE Select); coding-DNA position 372, C replaced by A.
Protein change: p.Thr124=; no amino-acid change (threonine 124 retained).
Molecular consequence: synonymous variant.
Genome position (GRCh38, 1-based): chr1:197,061,863, G>T on the plus strand (C>A on the coding strand, the complement: F13B is on the minus strand). VCF-style: chr1-197061863-G-T. GRCh37 (hg19) VCF-style: chr1-197030993-G-T.
Identifiers: ClinVar variation 4999120 (VCV004999120.1).
Genomic context (GRCh38, chr1:197,061,863, plus strand): 5'-TGGTTGAGAAGACCATCCATCAGAGAGACATTGAACCACTTCTTCATCCTTCCCTCCAGT[G>T]GTTTTGTACCCTGAAGCGCAACCATAACGCATGTTCTCTTGAATTTTATACAATAACTTT-3'
Protein context (NP_001985.2, residues 114-134): MRYGCASGYK[Thr124=]TGGKDEEVVQ

ClinVar aggregate classification (germline): Likely benign (1 of 4 stars; one submission).

Conditions:
F13B-related disorder. Also called: F13B-related condition.

gnomAD v4.1: 6 of 1,613,170 alleles (0.00037%); highest among the groups gnomAD compares: East Asian, 0.013%; no homozygotes.

Submission:

PreventionGenetics, part of Exact Sciences
Classification: Likely benign for F13B-related condition. Last evaluated: 2026-04-21. Review status: criteria provided, single submitter. Criteria: ACMG Guidelines, 2015. Collection method: clinical testing. Allele origin: germline.
Comment: This variant is classified as likely benign based on ACMG/AMP sequence variant interpretation guidelines (Richards et al. 2015 PMID: 25741868, with internal and published modifications).